The following is an entry in ClinVar:

ClinVar aggregate classification (germline): Likely benign (1 of 4 stars; one submission).

Allele frequency attached by ClinVar (database versions not stated): gnomAD 0.00001; TOPMed 0.00001.
gnomAD v4.1: 10 of 1,613,726 alleles (0.00062%); highest among the groups gnomAD compares: Non-Finnish European, 0.00085%; no homozygotes.

Submission:

CeGaT Center for Human Genetics Tuebingen
Classification: Likely benign. Last evaluated: 2023-11-01. Review status: criteria provided, single submitter. Criteria: CeGaT Center For Human Genetics Tuebingen Variant Classification Criteria Version 2. Collection method: clinical testing. Allele origin: germline. Affected: yes. Observed: 1 variant allele.
Comment: MADD: BP4, BP7

NM_001376571.1(MADD):c.1113C>T (p.Thr371=)

Gene: MADD (MAP kinase activating death domain; plus strand). Cytogenetic location: 11p11.2.
Variant type: single nucleotide variant.
Coding change: c.1113C>T on transcript NM_001376571.1 (MANE Select); coding-DNA position 1113, C replaced by T.
Protein change: p.Thr371=; no amino-acid change (threonine 371 retained).
Molecular consequence: synonymous variant. On other transcripts: non-coding transcript variant (8).
Genome position (GRCh38, 1-based): chr11:47,278,182, C>T. VCF-style: chr11-47278182-C-T. GRCh37 (hg19) VCF-style: chr11-47299733-C-T.
Other names: c.1113C>T, p.Thr371= (NM_001376596.1, NM_001376597.1, NM_001376598.1 and 80 more transcripts); c.909C>T, p.Thr303= (NM_001376620.1, NM_001376626.1, NM_001376627.1 and 9 more transcripts); c.447C>T, p.Thr149= (NM_001376663.1).
Identifiers: ClinVar variation 2672464 (VCV002672464.23), dbSNP rs1489685288, ClinGen allele CA474219077.